The following is an entry in ClinVar:

NM_014795.4(ZEB2):c.1846C>G (p.Pro616Ala)

Gene: ZEB2 (zinc finger E-box binding homeobox 2; minus strand). Cytogenetic location: 2q22.3.
Variant type: single nucleotide variant.
Coding change: c.1846C>G on transcript NM_014795.4 (MANE Select); coding-DNA position 1846, C replaced by G.
Protein change: p.Pro616Ala; replaces proline 616 with alanine.
Molecular consequence: missense variant.
Genome position (GRCh38, 1-based): chr2:144,399,341, G>C on the plus strand (C>G on the coding strand, the complement: ZEB2 is on the minus strand). VCF-style: chr2-144399341-G-C. GRCh37 (hg19) VCF-style: chr2-145156908-G-C.
Other names: c.1774C>G, p.Pro592Ala (NM_001171653.2); short protein forms P616A, P592A.
Identifiers: ClinVar variation 2047481 (VCV002047481.4), dbSNP rs2549106463, ClinGen allele CA348710025.
Genomic context (GRCh38, chr2:144,399,341, plus strand): 5'-AGAGGAGGGCTTTATTATCAACAAAAACTCCGGCTTTGTTGGGGACTATGTTTTCATGAG[G>C]CTGCAGGACCGCCTTGATCTCTTCATTCATCTTACAAAGGTAACGTTCATGCTGATGCAA-3'
Protein context (NP_055610.1, residues 606-626): MNEEIKAVLQ[Pro616Ala]HENIVPNKAG

ClinVar aggregate classification (germline): Uncertain significance (1 of 4 stars; one submission).

Conditions:
Mowat-Wilson syndrome (MOWS). Also called: Classic Mowat-Wilson Syndrome. Identifiers: Orphanet 2152, MedGen C1856113, MONDO:0009341, OMIM 235730.

Submission:

Labcorp Genetics (formerly Invitae), Labcorp
Classification: Uncertain significance for Mowat-Wilson syndrome. Last evaluated: 2021-12-18. Review status: criteria provided, single submitter. Criteria: Invitae Variant Classification Sherloc (09022015). Collection method: clinical testing. Allele origin: germline.
Comment: In summary, the available evidence is currently insufficient to determine the role of this variant in disease. Therefore, it has been classified as a Variant of Uncertain Significance. Algorithms developed to predict the effect of missense changes on protein structure and function are either unavailable or do not agree on the potential impact of this missense change (SIFT: "Tolerated"; PolyPhen-2: "Probably Damaging"; Align-GVGD: "Class C0"). This variant has not been reported in the literature in individuals affected with ZEB2-related conditions. This variant is not present in population databases (gnomAD no frequency). This sequence change replaces proline, which is neutral and non-polar, with alanine, which is neutral and non-polar, at codon 616 of the ZEB2 protein (p.Pro616Ala).